The following is an entry in ClinVar:

NM_000059.4(BRCA2):c.5336T>C (p.Val1779Ala)

Gene: BRCA2 (BRCA2 DNA repair associated; plus strand). Cytogenetic location: 13q13.1.
Variant type: single nucleotide variant.
Coding change: c.5336T>C on transcript NM_000059.4 (MANE Select); coding-DNA position 5336, T replaced by C.
Protein change: p.Val1779Ala; replaces valine 1779 with alanine.
Molecular consequence: missense variant.
Genome position (GRCh38, 1-based): chr13:32,339,691, T>C. VCF-style: chr13-32339691-T-C. GRCh37 (hg19) VCF-style: chr13-32913828-T-C.
Other names: c.5336T>C (NM_000059.3); short protein forms V1779A.
Identifiers: ClinVar variation 1061385 (VCV001061385.9), dbSNP rs2072526947, ClinGen allele CA387784956.

ClinVar aggregate classification (germline): Conflicting classifications of pathogenicity. Review status: criteria provided, conflicting classifications (1 of 4 stars). 3 submissions from 3 submitters: Uncertain significance (2); Likely benign (1). Last evaluated 2025-04-21.

Conditions:
Hereditary cancer-predisposing syndrome. Also called: Neoplastic Syndromes, Hereditary; Hereditary Cancer Syndrome; Hereditary neoplastic syndrome; Tumor predisposition. Identifiers: Orphanet 140162, MedGen C0027672, MeSH D009386, MONDO:0015356.
Hereditary breast ovarian cancer syndrome. Also called: Hereditary breast and/or ovarian cancer syndrome; Breast and ovarian cancer; BRCA1- and BRCA2-Associated Hereditary Breast and Ovarian Cancer; Hereditary breast and ovarian cancer syndrome; Hereditary breast and ovarian cancer syndrome (HBOC); Hereditary breast and ovarian cancer. Identifiers: Orphanet 145, MedGen C0677776, MeSH D061325, MONDO:0003582. Disease mechanism: loss of function.

Allele frequency attached by ClinVar (database versions not stated): gnomAD exomes below 0.00001.
gnomAD v4.1: 1 of 1,612,790 alleles (0.000062%); highest among the groups gnomAD compares: Non-Finnish European, 0.000085%; no homozygotes.

Submissions (3):

Labcorp Genetics (formerly Invitae), Labcorp
Classification: Uncertain significance for Hereditary breast ovarian cancer syndrome. Last evaluated: 2025-04-21. Review status: criteria provided, single submitter. Criteria: Invitae Variant Classification Sherloc (09022015). Collection method: clinical testing. Allele origin: germline.
Comment: This sequence change replaces valine, which is neutral and non-polar, with alanine, which is neutral and non-polar, at codon 1779 of the BRCA2 protein (p.Val1779Ala). This variant is not present in population databases (gnomAD no frequency). This variant has not been reported in the literature in individuals affected with BRCA2-related conditions. ClinVar contains an entry for this variant (Variation ID: 1061385). Invitae Evidence Modeling of protein sequence and biophysical properties (such as structural, functional, and spatial information, amino acid conservation, physicochemical variation, residue mobility, and thermodynamic stability) indicates that this missense variant is not expected to disrupt BRCA2 protein function with a negative predictive value of 95%. In summary, the available evidence is currently insufficient to determine the role of this variant in disease. Therefore, it has been classified as a Variant of Uncertain Significance.

Ambry Genetics
Classification: Uncertain significance for Hereditary cancer-predisposing syndrome. Last evaluated: 2025-03-19. Review status: criteria provided, single submitter. Criteria: Ambry Variant Classification Scheme 2023. Collection method: clinical testing. Allele origin: germline.
Comment: The p.V1779A variant (also known as c.5336T>C), located in coding exon 10 of the BRCA2 gene, results from a T to C substitution at nucleotide position 5336. The valine at codon 1779 is replaced by alanine, an amino acid with similar properties. This amino acid position is conserved. In addition, this alteration is predicted to be tolerated by in silico analysis. Based on the available evidence, the clinical significance of this variant remains unclear.

University of Washington Department of Laboratory Medicine, University of Washington
Classification: Likely benign for Hereditary cancer-predisposing syndrome. Last evaluated: 2023-03-23. Review status: criteria provided, single submitter. Criteria: Dines et al. (Genet Med. 2020). Collection method: curation. Allele origin: germline.
Comment: Missense variant in a coldspot region where missense variants are very unlikely to be pathogenic (PMID:31911673).

BRCA2 exon 11 coldspot. Reclassification based on statistical prior probability.